The following is an entry in ClinVar:

NM_000553.6(WRN):c.3253G>A (p.Gly1085Ser)

Gene: WRN (WRN RecQ like helicase; plus strand). Cytogenetic location: 8p12.
Variant type: single nucleotide variant.
Coding change: c.3253G>A on transcript NM_000553.6 (MANE Select); coding-DNA position 3253, G replaced by A.
Protein change: p.Gly1085Ser; replaces glycine 1085 with serine.
Molecular consequence: missense variant.
Genome position (GRCh38, 1-based): chr8:31,142,645, G>A. VCF-style: chr8-31142645-G-A. GRCh37 (hg19) VCF-style: chr8-31000161-G-A.
Other names: short protein forms G1085S.
Identifiers: ClinVar variation 579507 (VCV000579507.7), dbSNP rs1158431660, ClinGen allele CA370923333.
Genomic context (GRCh38, chr8:31,142,645, plus strand): 5'-CATCTTAACATTTGAAATAATTTAATTTTATTATTTTTTAGTTCGAAAACTGTATCTTCG[G>A]GCACCAAAGAGCATTGTTATAATCAAGTACCAGTTGAATTAAGTACAGAGAAGAAGGTTT-3'
Protein context (NP_000544.2, residues 1075-1095): LLPSSKTVSS[Gly1085Ser]TKEHCYNQVP

ClinVar aggregate classification (germline): Uncertain significance (1 of 4 stars; one submission).

Conditions:
Werner syndrome (WRN). Identifiers: Orphanet 902, MedGen C0043119, MONDO:0010196, OMIM 277700.

Allele frequency attached by ClinVar (database versions not stated): gnomAD exomes below 0.00001; TOPMed below 0.00001; gnomAD 0.00001.
gnomAD v4.1: 5 of 1,598,724 alleles (0.00031%); highest among the groups gnomAD compares: Non-Finnish European, 0.00034%; no homozygotes.

Submission:

Labcorp Genetics (formerly Invitae), Labcorp
Classification: Uncertain significance for Werner syndrome. Last evaluated: 2022-01-15. Review status: criteria provided, single submitter. Criteria: Invitae Variant Classification Sherloc (09022015). Collection method: clinical testing. Allele origin: germline.
Comment: In summary, the available evidence is currently insufficient to determine the role of this variant in disease. Therefore, it has been classified as a Variant of Uncertain Significance. Algorithms developed to predict the effect of missense changes on protein structure and function are either unavailable or do not agree on the potential impact of this missense change (SIFT: "Not Available"; PolyPhen-2: "Benign"; Align-GVGD: "Not Available"). ClinVar contains an entry for this variant (Variation ID: 579507). This variant has not been reported in the literature in individuals affected with WRN-related conditions. This variant is not present in population databases (gnomAD no frequency). This sequence change replaces glycine, which is neutral and non-polar, with serine, which is neutral and polar, at codon 1085 of the WRN protein (p.Gly1085Ser).